The following is an entry in ClinVar:

NM_001352754.2(ARMC9):c.539T>C (p.Ile180Thr)

Gene: ARMC9 (armadillo repeat containing 9; plus strand). Cytogenetic location: 2q37.1.
Variant type: single nucleotide variant.
Coding change: c.539T>C on transcript NM_001352754.2 (MANE Select); coding-DNA position 539, T replaced by C.
Protein change: p.Ile180Thr; replaces isoleucine 180 with threonine.
Molecular consequence: missense variant. On other transcripts: non-coding transcript variant (1).
Genome position (GRCh38, 1-based): chr2:231,222,762, T>C. VCF-style: chr2-231222762-T-C. GRCh37 (hg19) VCF-style: chr2-232087475-T-C.
Other names: c.539T>C, p.Ile180Thr (NM_001271466.4, NM_001291656.2, NM_001352755.2 and 5 more transcripts); short protein forms I180T.
Identifiers: ClinVar variation 1425113 (VCV001425113.2), dbSNP rs1626451, ClinGen allele CA2159964.

ClinVar aggregate classification (germline): Uncertain significance (1 of 4 stars; one submission).

Submission:

Labcorp Genetics (formerly Invitae), Labcorp
Classification: Uncertain significance. Last evaluated: 2021-09-07. Review status: criteria provided, single submitter. Criteria: Invitae Variant Classification Sherloc (09022015). Collection method: clinical testing. Allele origin: germline.
Comment: In summary, the available evidence is currently insufficient to determine the role of this variant in disease. Therefore, it has been classified as a Variant of Uncertain Significance. Experimental studies and prediction algorithms are not available or were not evaluated, and the functional significance of this variant is currently unknown. This variant has not been reported in the literature in individuals affected with ARMC9-related conditions. This variant is present in population databases (rs1626451, ExAC 0.02%). This sequence change replaces isoleucine with threonine at codon 180 of the ARMC9 protein ( p.Ile180Thr). The isoleucine residue is weakly conserved and there is a moderate physicochemical difference between isoleucine and threonine.